The following is an entry in ClinVar:

NM_001365951.3(KIF1B):c.1038A>G (p.Arg346=)

Gene: KIF1B (kinesin family member 1B; plus strand). Cytogenetic location: 1p36.22.
Variant type: single nucleotide variant.
Coding change: c.1038A>G on transcript NM_001365951.3 (MANE Select); coding-DNA position 1038, A replaced by G.
Protein change: p.Arg346=; no amino-acid change (arginine 346 retained).
Molecular consequence: synonymous variant.
Genome position (GRCh38, 1-based): chr1:10,277,986, A>G. VCF-style: chr1-10277986-A-G. GRCh37 (hg19) VCF-style: chr1-10338044-A-G.
Other names: c.1038A>G, p.Arg346= (NM_001365952.1); c.1020A>G, p.Arg340= (NM_001365953.1, NM_015074.3, NM_183416.4).
Identifiers: ClinVar variation 1757557 (VCV001757557.5), dbSNP rs1205403546, ClinGen allele CA415879946.

ClinVar aggregate classification (germline): Conflicting classifications of pathogenicity. Review status: criteria provided, conflicting classifications (1 of 4 stars). 2 submissions from 2 submitters: Uncertain significance (1); Likely benign (1). Last evaluated 2024-01-18.

Conditions:
Charcot-Marie-Tooth disease type 2. Also called: Charcot-Marie-Tooth type 2. Identifiers: Orphanet 64746, MedGen C0270914, MONDO:0018993.

Allele frequency attached by ClinVar (database versions not stated): gnomAD exomes 0.00001; TOPMed 0.00001.
gnomAD v4.1: 12 of 1,613,758 alleles (0.00074%); highest among the groups gnomAD compares: African/African-American, 0.0013%; no homozygotes.

Submissions (2):

Labcorp Genetics (formerly Invitae), Labcorp
Classification: Uncertain significance for Charcot-Marie-Tooth disease type 2. Last evaluated: 2024-01-18. Review status: criteria provided, single submitter. Criteria: Invitae Variant Classification Sherloc (09022015). Collection method: clinical testing. Allele origin: germline.
Comment: This sequence change affects codon 340 of the KIF1B mRNA. It is a 'silent' change, meaning that it does not change the encoded amino acid sequence of the KIF1B protein. It affects a nucleotide within the consensus splice site. This variant is not present in population databases (gnomAD no frequency). This variant has not been reported in the literature in individuals affected with KIF1B-related conditions. ClinVar contains an entry for this variant (Variation ID: 1757557). Algorithms developed to predict the effect of sequence changes on RNA splicing suggest that this variant is not likely to affect RNA splicing. In summary, the available evidence is currently insufficient to determine the role of this variant in disease. Therefore, it has been classified as a Variant of Uncertain Significance.

Ambry Genetics
Classification: Likely benign. Last evaluated: 2020-09-15. Review status: criteria provided, single submitter. Criteria: Ambry Variant Classification Scheme 2023. Collection method: clinical testing. Allele origin: germline.